The following is an entry in ClinVar:

NM_017866.6(TMEM70):c.409C>T (p.Pro137Ser)

Gene: TMEM70 (transmembrane protein 70; plus strand). Cytogenetic location: 8q21.11.
Variant type: single nucleotide variant.
Coding change: c.409C>T on transcript NM_017866.6 (MANE Select); coding-DNA position 409, C replaced by T.
Protein change: p.Pro137Ser; replaces proline 137 with serine.
Molecular consequence: missense variant. On other transcripts: 3 prime UTR variant (1), non-coding transcript variant (1).
Genome position (GRCh38, 1-based): chr8:73,981,247, C>T. VCF-style: chr8-73981247-C-T. GRCh37 (hg19) VCF-style: chr8-74893482-C-T.
Other names: c.*99C>T (NM_001040613.3); short protein forms P137S.
Identifiers: ClinVar variation 580868 (VCV000580868.8), dbSNP rs1563699651, ClinGen allele CA371489930.

ClinVar aggregate classification (germline): Uncertain significance (1 of 4 stars; one submission).

Conditions:
Mitochondrial complex V (ATP synthase) deficiency, nuclear type 2. Also called: ENCEPHALOCARDIOMYOPATHY, MITOCHONDRIAL, NEONATAL, DUE TO ATP SYNTHASE DEFICIENCY; MITOCHONDRIAL COMPLEX V (ATP SYNTHASE) DEFICIENCY, TMEM70 TYPE; Nuclear-Encoded ATPase Deficiency, TMEM70-Related. Identifiers: Orphanet 1194, MedGen C3279699, MONDO:0013546, OMIM 614052.

Allele frequency attached by ClinVar (database versions not stated): gnomAD exomes below 0.00001.
gnomAD v4.1: 1 of 1,614,108 alleles (0.000062%); highest among the groups gnomAD compares: Non-Finnish European, 0.000085%; no homozygotes.

Submission:

Labcorp Genetics (formerly Invitae), Labcorp
Classification: Uncertain significance for Mitochondrial complex V (ATP synthase) deficiency, nuclear type 2. Last evaluated: 2018-05-05. Review status: criteria provided, single submitter. Criteria: Invitae Variant Classification Sherloc (09022015). Collection method: clinical testing. Allele origin: germline.
Comment: This variant is not present in population databases (ExAC no frequency). In summary, the available evidence is currently insufficient to determine the role of this variant in disease. Therefore, it has been classified as a Variant of Uncertain Significance. Algorithms developed to predict the effect of missense changes on protein structure and function output the following: SIFT: "Tolerated"; PolyPhen-2: "Benign"; Align-GVGD: "Class C0". The serine amino acid residue is found in multiple mammalian species, suggesting that this missense change does not adversely affect protein function. These predictions have not been confirmed by published functional studies and their clinical significance is uncertain. This variant has not been reported in the literature in individuals with TMEM70-related disease. This sequence change replaces proline with serine at codon 137 of the TMEM70 protein (p.Pro137Ser). The proline residue is weakly conserved and there is a moderate physicochemical difference between proline and serine.